The following is an entry in ClinVar:

ClinVar aggregate classification (germline): Uncertain significance (1 of 4 stars; one submission).

gnomAD v4.1: 1 of 1,614,062 alleles (0.000062%); highest among the groups gnomAD compares: African/African-American, 0.0013%; no homozygotes.

Submission:

Labcorp Genetics (formerly Invitae), Labcorp
Classification: Uncertain significance. Last evaluated: 2025-12-21. Review status: criteria provided, single submitter. Criteria: Invitae Variant Classification Sherloc (09022015). Collection method: clinical testing. Allele origin: germline.
Comment: This sequence change replaces glutamine, which is neutral and polar, with histidine, which is basic and polar, at codon 44 of the WDFY3 protein (p.Gln44His). This variant is not present in population databases (gnomAD no frequency). This variant has not been reported in the literature in individuals affected with WDFY3-related conditions. An algorithm developed to predict the effect of missense changes on protein structure and function (PolyPhen-2) suggests that this variant is likely to be disruptive. In summary, the available evidence is currently insufficient to determine the role of this variant in disease. Therefore, it has been classified as a Variant of Uncertain Significance.

NM_014991.6(WDFY3):c.132G>C (p.Gln44His)

Gene: WDFY3 (WD repeat and FYVE domain containing 3; minus strand). Cytogenetic location: 4q21.23.
Variant type: single nucleotide variant.
Coding change: c.132G>C on transcript NM_014991.6 (MANE Select); coding-DNA position 132, G replaced by C.
Protein change: p.Gln44His; replaces glutamine 44 with histidine.
Molecular consequence: missense variant.
Genome position (GRCh38, 1-based): chr4:84,860,460, C>G on the plus strand (G>C on the coding strand, the complement: WDFY3 is on the minus strand). VCF-style: chr4-84860460-C-G. GRCh37 (hg19) VCF-style: chr4-85781613-C-G.
Other names: short protein forms Q44H.
Identifiers: ClinVar variation 4733815 (VCV004733815.1).